The following is an entry in ClinVar:

ClinVar aggregate classification (germline): Uncertain significance. Review status: criteria provided, multiple submitters, no conflicts (2 of 4 stars). 2 submissions from 2 submitters: Uncertain significance (2). Last evaluated 2024-09-14.

Allele frequency attached by ClinVar (database versions not stated): gnomAD exomes 0.00002; gnomAD 0.00003; TOPMed 0.00003; ExAC 0.00004.
gnomAD v4.1: 35 of 1,587,362 alleles (0.0022%); highest among the groups gnomAD compares: African/African-American, 0.0081%; no homozygotes.

Submissions (2):

Labcorp Genetics (formerly Invitae), Labcorp
Classification: Uncertain significance. Last evaluated: 2024-09-14. Review status: criteria provided, single submitter. Criteria: Invitae Variant Classification Sherloc (09022015). Collection method: clinical testing. Allele origin: germline.
Comment: This sequence change replaces arginine, which is basic and polar, with cysteine, which is neutral and slightly polar, at codon 425 of the IL12RB2 protein (p.Arg425Cys). This variant is present in population databases (rs571488700, gnomAD 0.006%). This variant has not been reported in the literature in individuals affected with IL12RB2-related conditions. ClinVar contains an entry for this variant (Variation ID: 2219743). An algorithm developed to predict the effect of missense changes on protein structure and function (PolyPhen-2) suggests that this variant is likely to be disruptive. In summary, the available evidence is currently insufficient to determine the role of this variant in disease. Therefore, it has been classified as a Variant of Uncertain Significance.

Ambry Genetics
Classification: Uncertain significance. Last evaluated: 2021-08-09. Review status: criteria provided, single submitter. Criteria: Ambry Variant Classification Scheme 2023. Collection method: clinical testing. Allele origin: germline.

NM_001374259.2(IL12RB2):c.1273C>T (p.Arg425Cys)

Gene: IL12RB2 (interleukin 12 receptor subunit beta 2; plus strand). Cytogenetic location: 1p31.3.
Variant type: single nucleotide variant.
Coding change: c.1273C>T on transcript NM_001374259.2 (MANE Select); coding-DNA position 1273, C replaced by T.
Protein change: p.Arg425Cys; replaces arginine 425 with cysteine.
Molecular consequence: missense variant. On other transcripts: non-coding transcript variant (2).
Genome position (GRCh38, 1-based): chr1:67,367,839, C>T. VCF-style: chr1-67367839-C-T. GRCh37 (hg19) VCF-style: chr1-67833522-C-T.
Other names: c.1273C>T, p.Arg425Cys (NM_001258214.1, NM_001258215.1, NM_001258216.1 and 2 more transcripts); short protein forms R425C.
Identifiers: ClinVar variation 2219743 (VCV002219743.4), dbSNP rs571488700, ClinGen allele CA900460.